The following is an entry in ClinVar:

NM_006231.4(POLE):c.271G>T (p.Gly91Ter)

Gene: POLE (DNA polymerase epsilon, catalytic subunit; minus strand). Cytogenetic location: 12q24.33.
Variant type: single nucleotide variant.
Coding change: c.271G>T on transcript NM_006231.4 (MANE Select); coding-DNA position 271, G replaced by T.
Protein change: p.Gly91Ter; replaces glycine 91 with a stop codon.
Molecular consequence: nonsense.
Genome position (GRCh38, 1-based): chr12:132,680,621, C>A on the plus strand (G>T on the coding strand, the complement: POLE is on the minus strand). VCF-style: chr12-132680621-C-A. GRCh37 (hg19) VCF-style: chr12-133257207-C-A.
Other names: short protein forms G91*.
Identifiers: ClinVar variation 4141104 (VCV004141104.1).
Genomic context (GRCh38, chr12:132,680,621, plus strand): 5'-AACACCCATAAAAGTGGGTTTTAGCTTGTCGCAGTCAGGGGCTTACCTTAAATCTGCTTC[C>A]GTCATCTTGAATAAAGTAGTAATCCACTGCACTGCCTAAGCGCTTATCTTCATCTAAAAT-3'

ClinVar aggregate classification (germline): Uncertain significance (1 of 4 stars; one submission).

Conditions:
Hereditary cancer-predisposing syndrome. Also called: Hereditary neoplastic syndrome; Neoplastic Syndromes, Hereditary; Tumor predisposition; Hereditary Cancer Syndrome. Identifiers: Orphanet 140162, MedGen C0027672, MeSH D009386, MONDO:0015356.

gnomAD v4.1: 1 of 1,613,492 alleles (0.000062%); highest among the groups gnomAD compares: Non-Finnish European, 0.000085%; no homozygotes.

Submission:

Ambry Genetics
Classification: Uncertain significance for Hereditary cancer-predisposing syndrome. Last evaluated: 2025-08-13. Review status: criteria provided, single submitter. Criteria: Ambry Variant Classification Scheme 2023. Collection method: clinical testing. Allele origin: germline.
Comment: The p.G91* variant (also known as c.271G>T), located in coding exon 3 of the POLE gene, results from a G to T substitution at nucleotide position 271. This changes the amino acid from a glycine to a stop codon within coding exon 3. This alteration is expected to result in loss of function by premature protein truncation or nonsense-mediated mRNA decay. Although biallelic loss of function of POLE has been associated with autosomal recessive POLE deficiency, haploinsufficiency of POLE has not been established as a mechanism of disease for POLE-related polymerase proofreading-associated polyposis (PPAP) and POLE-related CMMRD-like syndrome. Based on the supporting evidence, this variant is expected to be causative of POLE deficiency when present along with a second pathogenic variant on the other allele; however, its clinical significance for PPAP and POLE-related CMMRD-like syndrome is unclear.